The following is an entry in ClinVar:

NM_019888.3(MC3R):c.316C>T (p.Leu106=)

Gene: MC3R (melanocortin 3 receptor; plus strand). Cytogenetic location: 20q13.2.
Variant type: single nucleotide variant.
Coding change: c.316C>T on transcript NM_019888.3 (MANE Select); coding-DNA position 316, C replaced by T.
Protein change: p.Leu106=; no amino-acid change (leucine 106 retained).
Molecular consequence: synonymous variant.
Genome position (GRCh38, 1-based): chr20:56,249,159, C>T. VCF-style: chr20-56249159-C-T. GRCh37 (hg19) VCF-style: chr20-54824215-C-T.
Identifiers: ClinVar variation 3036510 (VCV003036510.2), dbSNP rs776825272, ClinGen allele CA9916972.

ClinVar aggregate classification (germline): Likely benign (0 of 4 stars; one submission).

Conditions:
MC3R-related disorder. Also called: MC3R-related condition.

Allele frequency attached by ClinVar (database versions not stated): ExAC 0.00002; gnomAD 0.00002.

Submission:

PreventionGenetics, part of Exact Sciences
Classification: Likely benign for MC3R-related condition. Last evaluated: 2020-07-09. Review status: no assertion criteria provided. Collection method: clinical testing. Allele origin: germline.
Comment: This variant is classified as likely benign based on ACMG/AMP sequence variant interpretation guidelines (Richards et al. 2015 PMID: 25741868, with internal and published modifications).